The following is an entry in ClinVar:

NM_001330260.2(SCN8A):c.4524+3A>G

Gene: SCN8A (sodium voltage-gated channel alpha subunit 8; plus strand). Cytogenetic location: 12q13.13.
Variant type: single nucleotide variant.
Coding change: c.4524+3A>G on transcript NM_001330260.2 (MANE Select); 3 bases into the intron after coding-DNA position 4524, A replaced by G.
Molecular consequence: intron variant.
Genome position (GRCh38, 1-based): chr12:51,790,505, A>G. VCF-style: chr12-51790505-A-G. GRCh37 (hg19) VCF-style: chr12-52184289-A-G.
Other names: c.4524+3A>G (NM_014191.4); c.4401+3A>G (NM_001177984.3, NM_001369788.1).
Identifiers: ClinVar variation 1431752 (VCV001431752.7), dbSNP rs1186875917, ClinGen allele CA605053246.
Genomic context (GRCh38, chr12:51,790,505, plus strand): 5'-CAATGCCATGAAAAAGCTGGGCTCAAAGAAGCCACAGAAACCTATTCCCCGCCCCTTGGT[A>G]AGTGCATTGTGCAGGCTGAGGCCTTGGTGAGAACCCATATAGGAAAAGTACTAGTAGAGT-3'

ClinVar aggregate classification (germline): Uncertain significance (1 of 4 stars; one submission).

Conditions:
Early-infantile DEE. Also called: Ohtahara syndrome; Early infantile epileptic encephalopathy with suppression bursts; Early infantile epileptic encephalopathy. Identifiers: Orphanet 1934, MedGen C0393706, MONDO:0800491.

Allele frequency attached by ClinVar (database versions not stated): gnomAD exomes below 0.00001.
gnomAD v4.1: 2 of 1,597,912 alleles (0.00013%); highest among the groups gnomAD compares: Non-Finnish European, 0.00017%; no homozygotes.

Submission:

Labcorp Genetics (formerly Invitae), Labcorp
Classification: Uncertain significance for Early-infantile DEE. Last evaluated: 2023-10-13. Review status: criteria provided, single submitter. Criteria: Invitae Variant Classification Sherloc (09022015). Collection method: clinical testing. Allele origin: germline.
Comment: This sequence change falls in intron 25 of the SCN8A gene. It does not directly change the encoded amino acid sequence of the SCN8A protein. It affects a nucleotide within the consensus splice site. The frequency data for this variant in the population databases is considered unreliable, as metrics indicate poor data quality at this position in the gnomAD database. This variant has not been reported in the literature in individuals affected with SCN8A-related conditions. ClinVar contains an entry for this variant (Variation ID: 1431752). Variants that disrupt the consensus splice site are a relatively common cause of aberrant splicing (PMID: 17576681, 9536098). Algorithms developed to predict the effect of sequence changes on RNA splicing suggest that this variant may create or strengthen a splice site. In summary, the available evidence is currently insufficient to determine the role of this variant in disease. Therefore, it has been classified as a Variant of Uncertain Significance.

Literature cited by the submitters: PubMed 17576681; PubMed 9536098.